The following is an entry in ClinVar:

NM_024312.5(GNPTAB):c.1178del (p.His393fs)

Gene: GNPTAB (N-acetylglucosamine-1-phosphate transferase subunits alpha and beta; minus strand). Cytogenetic location: 12q23.2.
Variant type: Deletion.
Coding change: c.1178del on transcript NM_024312.5 (MANE Select); coding-DNA position 1178, one base deleted (A; older notation c.1178delA).
Protein change: p.His393fs; shifts the reading frame from histidine 393.
Molecular consequence: frameshift variant.
Genome position (GRCh38, 1-based): chr12:101,770,127, T deleted on the plus strand (A on the coding strand, the reverse complement: GNPTAB is on the minus strand). VCF-style (leftmost placement, unchanged base first): chr12-101770126-AT-A. GRCh37 (hg19) VCF-style: chr12-102163904-AT-A.
Other names: short protein forms H393fs.
Identifiers: ClinVar variation 5014057 (VCV005014057.1).
Genomic context (GRCh38, chr12:101,770,126, plus strand): 5'-CTTCCCAAACATGACATCATCATTTAGGTAAATAAACTTCTGGGACAGCCCTTCGATGCG[AT>A]GAATGTGACTTTCAATAGCAGGTGAACTAAAGGTAGGCAAGTGGCTCAAATTTCGAAAAA-3'

ClinVar aggregate classification (germline): Pathogenic (1 of 4 stars; one submission).

Conditions:
GNPTAB-mucolipidosis. Also called: UDP-N-acetylglucosamine-1-phosphotransferase subunit alpha/beta deficiency. Identifiers: MedGen CN322573, MONDO:0100122.

Submission:

Myriad Genetics, Inc.
Classification: Pathogenic for GNPTAB-mucolipidosis. Last evaluated: 2025-02-05. Review status: criteria provided, single submitter. Criteria: Myriad Autosomal Dominant, Autosomal Recessive and X-Linked Classification Criteria (2023). Collection method: clinical testing. Allele origin: unknown.
Comment: NM_024312.4(GNPTAB):c.1178delA(H393Lfs*13) is expected to be pathogenic in the context of GNPTAB-related disorders. This variant is predicted to lead to an abnormal or absent protein product due to the creation of a premature termination codon in GNPTAB, a gene where loss-of-function variants are known to be pathogenic. Please note: this variant was assessed in the context of healthy population screening.